The following is an entry in ClinVar:

NM_024537.4(CARS2):c.5T>G (p.Leu2Trp)

Genes: CARS2 (cysteinyl-tRNA synthetase 2, mitochondrial; minus strand), LOC130010127 (ATAC-STARR-seq lymphoblastoid silent region 5509; plus strand). Cytogenetic location: 13q34.
Variant type: single nucleotide variant.
Coding change: c.5T>G on transcript NM_024537.4 (MANE Select); coding-DNA position 5, T replaced by G.
Protein change: p.Leu2Trp; replaces leucine 2 with tryptophan.
Molecular consequence: missense variant. On other transcripts: non-coding transcript variant (1), intron variant (1).
Genome position (GRCh38, 1-based): chr13:110,706,089, A>C on the plus strand (T>G on the coding strand, the complement: CARS2 is on the minus strand). VCF-style: chr13-110706089-A-C. GRCh37 (hg19) VCF-style: chr13-111358436-A-C.
Other names: c.5T>G, p.Leu2Trp (NM_001352253.3); c.-776+282T>G (NM_001352252.2); short protein forms L2W.
Identifiers: ClinVar variation 963749 (VCV000963749.1), dbSNP rs2063949254, ClinGen allele CA388743585.

ClinVar aggregate classification (germline): Uncertain significance (1 of 4 stars; one submission).

Conditions:
Combined oxidative phosphorylation defect type 27. Also called: Combined oxidative phosphorylation deficiency 27. Identifiers: Orphanet 477774, MedGen C5567608, MONDO:0014728, OMIM 616672.

Allele frequency attached by ClinVar (database versions not stated): TOPMed below 0.00001.
gnomAD v4.1: 2 of 1,313,320 alleles (0.00015%); highest among the groups gnomAD compares: Non-Finnish European, 0.00019%; no homozygotes.

Submission:

Labcorp Genetics (formerly Invitae), Labcorp
Classification: Uncertain significance for Combined oxidative phosphorylation deficiency 27. Last evaluated: 2019-08-14. Review status: criteria provided, single submitter. Criteria: Invitae Variant Classification Sherloc (09022015). Collection method: clinical testing. Allele origin: germline.
Comment: This sequence change replaces leucine with tryptophan at codon 2 of the CARS2 protein (p.Leu2Trp). The leucine residue is weakly conserved and there is a small physicochemical difference between leucine and tryptophan. The frequency data for this variant in the population databases is considered unreliable, as metrics indicate insufficient coverage at this position in the ExAC database. This variant has not been reported in the literature in individuals with CARS2-related conditions. In summary, the available evidence is currently insufficient to determine the role of this variant in disease. Therefore, it has been classified as a Variant of Uncertain Significance.